The following is an entry in ClinVar:

ClinVar aggregate classification (germline): Uncertain significance (1 of 4 stars; one submission).

Submission:

GeneDx
Classification: Uncertain significance. Last evaluated: 2024-02-08. Review status: criteria provided, single submitter. Criteria: GeneDx Variant Classification Process June 2021. Collection method: clinical testing. Allele origin: germline. Affected: yes.
Comment: Not observed at significant frequency in large population cohorts (gnomAD); In-frame deletion of 6 amino acids in a non-repeat region; In silico analysis supports a deleterious effect on protein structure/function; Has not been previously published as pathogenic or benign to our knowledge

NM_003070.5(SMARCA2):c.3716_3733del (p.Leu1239_Ala1244del)

Gene: SMARCA2 (SWI/SNF related BAF chromatin remodeling complex subunit ATPase 2; plus strand). Cytogenetic location: 9p24.3.
Variant type: Deletion.
Coding change: c.3716_3733del on transcript NM_003070.5 (MANE Select); coding-DNA positions 3716 to 3733, 18 bases deleted (TGAACCAAATGATTGCTC).
Protein change: p.Leu1239_Ala1244del.
Molecular consequence: inframe deletion.
Genome position (GRCh38, 1-based): chr9:2,119,489-2,119,506, TGAACCAAATGATTGCTC deleted; deleting any 18 consecutive bases within chr9:2,119,486-2,119,506 gives the same sequence; the c. name uses the placement nearest the transcript's 3' end. VCF-style (leftmost placement, unchanged base first): chr9-2119485-ACTCTGAACCAAATGATTG-A. GRCh37 (hg19) VCF-style: chr9-2119485-ACTCTGAACCAAATGATTG-A.
Other names: c.3716_3733del, p.Leu1239_Ala1244del (NM_001289396.2, NM_139045.4); c.3542_3559del, p.Leu1181_Ala1186del (NM_001289397.2).
Identifiers: ClinVar variation 3368792 (VCV003368792.1).
Genomic context (GRCh38, chr9:2,119,485, plus strand): 5'-CACTGGTTAAAATCACTCTGTTTTTAACCCCAGGAAGAAGATGAAGTACCGGACGATGAG[ACTCTGAACCAAATGATTG>A]CTCGACGAGAAGAAGAATTTGACCTTTTTATGGTAATGTTACAGAAAATCATGAACACAA-3'